The following is an entry in ClinVar:

ClinVar aggregate classification (germline): Pathogenic/Likely pathogenic. Review status: criteria provided, multiple submitters, no conflicts (2 of 4 stars). 2 submissions from 2 submitters: Pathogenic (1); Likely pathogenic (1). Last evaluated 2024-05-14.

Conditions:
Congenital microcephaly - severe encephalopathy - progressive cerebral atrophy syndrome. Also called: Asparagine synthetase deficiency; ASNS DEFICIENCY. Identifiers: Orphanet 391376, MedGen C3809971, MONDO:0014258, OMIM 615574.

Submissions (2):

Myriad Genetics, Inc.
Classification: Pathogenic for Congenital microcephaly - severe encephalopathy - progressive cerebral atrophy syndrome. Last evaluated: 2024-05-14. Review status: criteria provided, single submitter. Criteria: Myriad Autosomal Dominant, Autosomal Recessive and X-Linked Classification Criteria (2023). Collection method: clinical testing. Allele origin: unknown.
Comment: NM_001673.4(ASNS):c.1174_1175dupAG(L393Gfs*3) is expected to be pathogenic in the context of asparagine synthetase deficiency. This variant is predicted to lead to an abnormal or absent protein product due to the creation of a premature termination codon in ASNS, a gene where loss-of-function variants are known to be pathogenic. Please note: this variant was assessed in the context of healthy population screening.

Women's Health and Genetics/Laboratory Corporation of America, LabCorp
Classification: Likely pathogenic for Congenital microcephaly - severe encephalopathy - progressive cerebral atrophy syndrome. Last evaluated: 2023-03-01. Review status: criteria provided, single submitter. Criteria: LabCorp Variant Classification Summary - May 2015. Collection method: clinical testing. Allele origin: germline.
Comment: Variant summary: ASNS c.1174_1175dupAG (p.Leu393GlyfsX3) results in a premature termination codon, predicted to cause a truncation of the encoded protein or absence of the protein due to nonsense mediated decay, which are commonly known mechanisms for disease. Truncations downstream of this position have been classified as pathogenic by our laboratory. The variant was absent in 251422 control chromosomes. To our knowledge, no occurrence of c.1174_1175dupAG in individuals affected with Asparagine Synthetase Deficiency and no experimental evidence demonstrating its impact on protein function have been reported. No clinical diagnostic laboratories have submitted clinical-significance assessments for this variant to ClinVar after 2014. Based on the evidence outlined above, the variant was classified as likely pathogenic.

NM_001673.5(ASNS):c.1174_1175dup (p.Leu393fs)

Genes: ASNS (asparagine synthetase (glutamine-hydrolyzing); minus strand), CZ1P-ASNS (CZ1P-ASNS readthrough; minus strand). Cytogenetic location: 7q21.3.
Variant type: Microsatellite.
Coding change: c.1174_1175dup on transcript NM_001673.5 (MANE Select); coding-DNA positions 1174 to 1175, 2 bases duplicated (AG; older notation c.1174_1175dupAG).
Protein change: p.Leu393fs; shifts the reading frame from leucine 393.
Molecular consequence: frameshift variant. On other transcripts: non-coding transcript variant (1).
Genome position (GRCh38, 1-based): chr7:97,854,643-97,854,644, CT duplicated on the plus strand (AG on the coding strand, the reverse complement: ASNS is on the minus strand); duplicating any 2 consecutive bases within chr7:97,854,643-97,854,647 gives the same sequence; the c. name uses the placement nearest the transcript's 3' end. VCF-style (leftmost placement, unchanged base first): chr7-97854642-C-CCT. GRCh37 (hg19) VCF-style: chr7-97483954-C-CCT.
Other names: c.1174_1175dup, p.Leu393fs (NM_001352496.2, NM_133436.3, NM_183356.4); c.1174_1175dupAG (NM_133436.3); c.1111_1112dup, p.Leu372fs (NM_001178075.2); c.925_926dup, p.Leu310fs (NM_001178076.2, NM_001178077.1); short protein forms L310fs, L372fs, L393fs.
Identifiers: ClinVar variation 2501284 (VCV002501284.2), dbSNP rs2484637035, ClinGen allele CA2578946914.
Genomic context (GRCh38, chr7:97,854,642, plus strand): 5'-ATGGGCAGCAGTAGTTCGATCTGCGCGGAGAACATCAAACAAATAGAGTTCCCTCAGAAG[C>CCT]CTCTCACTCTCCTCCTCGGCTTTTTCAGGAGAAGGAGCCTATTTCACAAACAAAAACACC-3'